The following is an entry in ClinVar:

ClinVar aggregate classification (germline): Likely benign (0 of 4 stars; one submission).

Conditions:
PTRHD1-related disorder. Also called: PTRHD1-related condition.

Allele frequency attached by ClinVar (database versions not stated): gnomAD exomes 0.00011; ExAC 0.00034; 1000 Genomes Project 0.00040; TOPMed 0.00141; ESP Exome Variant Server 0.00177; gnomAD 0.00127.
gnomAD v4.1: 358 of 1,612,928 alleles (0.022%); highest among the groups gnomAD compares: African/African-American, 0.43%; 1 homozygote.

Submission:

PreventionGenetics, part of Exact Sciences
Classification: Likely benign for PTRHD1-related condition. Last evaluated: 2019-08-28. Review status: no assertion criteria provided. Collection method: clinical testing. Allele origin: germline.
Comment: This variant is classified as likely benign based on ACMG/AMP sequence variant interpretation guidelines (Richards et al. 2015 PMID: 25741868, with internal and published modifications).

NM_001013663.2(PTRHD1):c.189C>T (p.Arg63=)

Genes: PTRHD1 (peptidyl-tRNA hydrolase domain containing 1; minus strand), LOC129933272 (ATAC-STARR-seq lymphoblastoid active region 15435; plus strand). Cytogenetic location: 2p23.3.
Variant type: single nucleotide variant.
Coding change: c.189C>T on transcript NM_001013663.2 (MANE Select); coding-DNA position 189, C replaced by T.
Protein change: p.Arg63=; no amino-acid change (arginine 63 retained).
Molecular consequence: synonymous variant.
Genome position (GRCh38, 1-based): chr2:24,793,189, G>A on the plus strand (C>T on the coding strand, the complement: PTRHD1 is on the minus strand). VCF-style: chr2-24793189-G-A. GRCh37 (hg19) VCF-style: chr2-25016058-G-A.
Identifiers: ClinVar variation 3052356 (VCV003052356.2), dbSNP rs140217300, ClinGen allele CA1552967.
Genomic context (GRCh38, chr2:24,793,189, plus strand): 5'-GAGGACCACTTTGCGCATGCGCCCCAGCTCTTGGAGGTAAGCGGCTGTGTGCGGGTGGTC[G>A]CGGTGAGTGTGCAAGGCCGCGGTGGCCGCGTGACAAGCCTGCGCTACCAGTGCGCCCGCC-3'
Protein context (NP_001013685.1, residues 53-73): HAATAALHTH[Arg63=]DHPHTAAYLQ